The following is an entry in ClinVar:

NM_138773.4(SLC25A46):c.327-2A>C

Gene: SLC25A46 (solute carrier family 25 member 46; plus strand). Cytogenetic location: 5q22.1.
Variant type: single nucleotide variant.
Coding change: c.327-2A>C on transcript NM_138773.4 (MANE Select); the canonical splice acceptor site of the intron before coding-DNA position 327, A replaced by C.
Molecular consequence: splice acceptor variant.
Genome position (GRCh38, 1-based): chr5:110,743,728, A>C. VCF-style: chr5-110743728-A-C. GRCh37 (hg19) VCF-style: chr5-110079429-A-C.
Other names: c.54-2A>C (NM_001303250.3); c.327-2A>C (NM_001303249.3).
Identifiers: ClinVar variation 3022230 (VCV003022230.3), dbSNP rs1278362025, ClinGen allele CA360694199.

ClinVar aggregate classification (germline): Likely pathogenic (1 of 4 stars; one submission).

Conditions:
Neuropathy, hereditary motor and sensory, type 6B (HMSN6B). Also called: NEUROPATHY, HEREDITARY MOTOR AND SENSORY, TYPE VIB, WITH OPTIC ATROPHY; Neuropathy, hereditary motor and sensory, type VIB; HMSN VIB; CHARCOT-MARIE-TOOTH DISEASE, TYPE 6B. Identifiers: MedGen C4225302, MONDO:0014671, OMIM 616505.

Allele frequency attached by ClinVar (database versions not stated): gnomAD 0.00001; TOPMed 0.00001.
gnomAD v4.1: 1 of 1,575,372 alleles (0.000063%); highest among the groups gnomAD compares: African/African-American, 0.0014%; no homozygotes.

Submission:

Labcorp Genetics (formerly Invitae), Labcorp
Classification: Likely pathogenic for Neuropathy, hereditary motor and sensory, type 6B. Last evaluated: 2023-05-22. Review status: criteria provided, single submitter. Criteria: Invitae Variant Classification Sherloc (09022015). Collection method: clinical testing. Allele origin: germline.
Comment: Algorithms developed to predict the effect of sequence changes on RNA splicing suggest that this variant may disrupt the consensus splice site. In summary, the currently available evidence indicates that the variant is pathogenic, but additional data are needed to prove that conclusively. Therefore, this variant has been classified as Likely Pathogenic. This variant has not been reported in the literature in individuals affected with SLC25A46-related conditions. This variant is not present in population databases (gnomAD no frequency). This sequence change affects an acceptor splice site in intron 2 of the SLC25A46 gene. It is expected to disrupt RNA splicing. Variants that disrupt the donor or acceptor splice site typically lead to a loss of protein function (PMID: 16199547), and loss-of-function variants in SLC25A46 are known to be pathogenic (PMID: 26168012, 26951855, 27543974).

Literature cited by the submitters: PubMed 16199547; PubMed 26168012; PubMed 26951855; PubMed 27543974.